The following is an entry in ClinVar:

ClinVar aggregate classification (germline): Uncertain significance (1 of 4 stars; one submission).

gnomAD v4.1: 1 of 1,612,894 alleles (0.000062%); highest among the groups gnomAD compares: Non-Finnish European, 0.000085%; no homozygotes.

Submission:

GeneDx
Classification: Uncertain significance. Last evaluated: 2024-05-23. Review status: criteria provided, single submitter. Criteria: GeneDx Variant Classification Process June 2021. Collection method: clinical testing. Allele origin: germline. Affected: yes.
Comment: Not observed at significant frequency in large population cohorts (gnomAD); Has not been previously published as pathogenic or benign to our knowledge; Alters the Kozak sequence, which plays a major role in the initiation of translation

NM_000090.4(COL3A1):c.-1C>T

Gene: COL3A1 (collagen type III alpha 1 chain; plus strand). Cytogenetic location: 2q32.2.
Variant type: single nucleotide variant.
Coding change: c.-1C>T on transcript NM_000090.4 (MANE Select); 1 bases upstream of the start codon, C replaced by T.
Molecular consequence: 5 prime UTR variant.
Genome position (GRCh38, 1-based): chr2:188,974,489, C>T. VCF-style: chr2-188974489-C-T. GRCh37 (hg19) VCF-style: chr2-189839215-C-T.
Identifiers: ClinVar variation 3381262 (VCV003381262.1).